The following is an entry in ClinVar:

NM_021964.3(ZNF148):c.87G>A (p.Met29Ile)

Gene: ZNF148 (zinc finger protein 148; minus strand). Cytogenetic location: 3q21.2.
Variant type: single nucleotide variant.
Coding change: c.87G>A on transcript NM_021964.3 (MANE Select); coding-DNA position 87, G replaced by A.
Protein change: p.Met29Ile; replaces methionine 29 with isoleucine.
Molecular consequence: missense variant.
Genome position (GRCh38, 1-based): chr3:125,313,554, C>T on the plus strand (G>A on the coding strand, the complement: ZNF148 is on the minus strand). VCF-style: chr3-125313554-C-T. GRCh37 (hg19) VCF-style: chr3-125032398-C-T.
Other names: c.87G>A, p.Met29Ile (NM_001348424.1, NM_001348425.2, NM_001348426.2 and 9 more transcripts); short protein forms M29I.
Identifiers: ClinVar variation 5020126 (VCV005020126.1).
Genomic context (GRCh38, chr3:125,313,554, plus strand): 5'-ATCTTGAAGTACTGAATCCTGTAGCTCTCCAGACACAGTAGACTGGCCAGACACTCCACC[C>T]ATTACAACCATTGTCCTGGAAGACTGCATTTCGTCTATGCCGCCACATTTAAGAAACAAT-3'
Protein context (NP_068799.2, residues 19-39): EMQSSRTMVV[Met29Ile]GGVSGQSTVS

ClinVar aggregate classification (germline): Uncertain significance (1 of 4 stars; one submission).

gnomAD v4.1: 5 of 1,614,080 alleles (0.00031%); highest among the groups gnomAD compares: African/African-American, 0.0027%; no homozygotes.

Submission:

Dasa
Classification: Uncertain significance. Last evaluated: 2026-07-25. Review status: criteria provided, single submitter. Criteria: DASA Assertion Criteria. Collection method: clinical testing. Allele origin: germline.
Comment: NM_021964.3(ZNF148):c.87G>A (p.Met29Ile) is a missense variant that results in the substitution of methionine with isoleucine. This variant is absent from population databases. Computational prediction algorithms are consistent with a benign effect. The currently available literature and clinical evidence are not sufficient to establish a definitive association between this variant and the reported condition. Therefore, this variant is classified as a variant of uncertain significance.